The following is an entry in ClinVar:

NM_207122.2(EXT2):c.1760C>T (p.Thr587Met)

Gene: EXT2 (exostosin glycosyltransferase 2; plus strand). Cytogenetic location: 11p11.2.
Variant type: single nucleotide variant.
Coding change: c.1760C>T on transcript NM_207122.2 (MANE Select); coding-DNA position 1760, C replaced by T.
Protein change: p.Thr587Met; replaces threonine 587 with methionine.
Molecular consequence: missense variant.
Genome position (GRCh38, 1-based): chr11:44,232,450, C>T. VCF-style: chr11-44232450-C-T. GRCh37 (hg19) VCF-style: chr11-44254000-C-T.
Other names: p.Thr587Met; c.1859C>T, p.Thr620Met (NM_000401.3); c.1790C>T, p.Thr597Met (NM_001178083.3); c.1760C>T, p.Thr587Met (NM_001389628.1, NM_001389630.1); short protein forms T587M, T620M, T597M.
Identifiers: ClinVar variation 134204 (VCV000134204.35), dbSNP rs138495222, ClinGen allele CA159111.
Genomic context (GRCh38, chr11:44,232,450, plus strand): 5'-CGGGTCGTCTGCATCTCTGGGACCATGAGATGAATAAGTGGAAGTATGAGTCTGAGTGGA[C>T]GAATGAAGTGTCCATGGTGCTCACTGGGGCAGCTTTTTATCACAAGGTAAGGGGGCGCAG-3'
Protein context (NP_997005.1, residues 577-597): MNKWKYESEW[Thr587Met]NEVSMVLTGA

ClinVar aggregate classification (germline): Conflicting classifications of pathogenicity. Review status: criteria provided, conflicting classifications (1 of 4 stars). 12 submissions from 12 submitters: Uncertain significance (6); Likely benign (4). 2 of the submissions do not count toward it. Last evaluated 2026-10-01.

Conditions:
EXT2-related disorder. Also called: EXT2-related condition.
Exostoses, multiple, type 2 (EXT2). Also called: Hereditary Multiple Osteochondromatosis, Type II; EXOSTOSES, MULTIPLE, TYPE II. Identifiers: Orphanet 321, MedGen C1851413, MONDO:0007586, OMIM 133701.

Allele frequency attached by ClinVar (database versions not stated): gnomAD 0.00063 and 0.00056; gnomAD exomes 0.00067 and 0.00098; ESP Exome Variant Server 0.00062; ExAC 0.00063; TOPMed 0.00067.
gnomAD v4.1: 1,524 of 1,613,820 alleles (0.094%); highest among the groups gnomAD compares: South Asian, 0.14%; 2 homozygotes.

Submissions (12):

St. Jude Molecular Pathology, St. Jude Children's Research Hospital
Classification: Uncertain significance for Exostoses, multiple, type 2. Last evaluated: 2026-10-01. Review status: criteria provided, single submitter. Criteria: St. Jude Assertion Criteria 2020. Collection method: clinical testing. Allele origin: germline.
Comment: The EXT2 c.1859C>T p.(Thr620Met) missense change has a maximum subpopulation frequency of 0.15% in gnomAD v2.1.1 including 1 homozygote. The in silico tool REVEL predicts a deleterious effect on protein function, but to our knowledge this prediction has not been confirmed by functional studies. This variant has been identified in at least one individual with multiple exostoses (PMID: 19810120, 28567303). In summary, the evidence currently available is insufficient to determine the clinical significance of this variant. It has therefore been classified as of uncertain significance.

Women's Health and Genetics/Laboratory Corporation of America, LabCorp
Classification: Uncertain significance. Last evaluated: 2026-03-11. Review status: criteria provided, single submitter. Criteria: LabCorp Variant Classification Summary - May 2015. Collection method: clinical testing. Allele origin: germline.
Comment: Variant summary: EXT2 c.1760C>T (p.Thr587Met) results in a non-conservative amino acid change in the encoded protein sequence. Algorithms developed to predict the effect of missense changes on protein structure and function all suggest that this variant is likely to be disruptive. The variant allele was found at a frequency of 0.00067 in 251230 control chromosomes in the gnomAD database, including 1 homozygote. This frequency is not significantly higher than estimated for disease-causing variants in EXT2, allowing no conclusion about variant significance. c.1760C>T has been observed in individuals affected with multiple exostoses/osteochondromas, without strong evidence for causality (e.g. Jennes_2009, Stavropoulos_2016). These reports do not provide unequivocal conclusions about association of the variant with Seizures, Scoliosis, And Macrocephaly Syndrome or Multiple Exostoses Type 2. To our knowledge, no experimental evidence demonstrating an impact on protein function has been reported. The following publications have been ascertained in the context of this evaluation (PMID: 19810120, 28567303). ClinVar contains an entry for this variant (Variation ID: 134204). Based on the evidence outlined above, the variant was classified as uncertain significance.

Labcorp Genetics (formerly Invitae), Labcorp
Classification: Likely benign for Exostoses, multiple, type 2. Last evaluated: 2026-01-22. Review status: criteria provided, single submitter. Criteria: Invitae Variant Classification Sherloc (09022015). Collection method: clinical testing. Allele origin: germline.

Mayo Clinic Laboratories, Mayo Clinic
Classification: Uncertain significance. Last evaluated: 2025-06-20. Review status: criteria provided, single submitter. Criteria: ACMG Guidelines, 2015. Collection method: clinical testing. Allele origin: germline. Observed: 1 variant allele.
Comment: BS1, PP3_moderate

Blueprint Genetics
Classification: Likely benign. Last evaluated: 2024-11-08. Review status: criteria provided, single submitter. Criteria: ACMG Guidelines, 2015. Collection method: clinical testing. Allele origin: germline.

Mendelics
Classification: Likely benign for Exostoses, multiple, type 2. Last evaluated: 2024-04-09. Review status: criteria provided, single submitter. Criteria: ACMG Guidelines, 2015. Collection method: clinical testing. Allele origin: unknown.

GeneDx
Classification: Uncertain significance. Last evaluated: 2024-03-25. Review status: criteria provided, single submitter. Criteria: GeneDx Variant Classification Process June 2021. Collection method: clinical testing. Allele origin: germline. Affected: yes.
Comment: In silico analysis supports that this missense variant has a deleterious effect on protein structure/function; This variant is associated with the following publications: (PMID: 19810120, 24728327, 28567303, 34426522, 32191290, 32570879, 34070849, 30666157)

Revvity Omics, Revvity
Classification: Uncertain significance. Last evaluated: 2023-10-31. Review status: criteria provided, single submitter. Criteria: ACMG Guidelines, 2015. Collection method: clinical testing. Allele origin: germline.

Illumina Laboratory Services, Illumina
Classification: Likely benign for Exostoses, multiple, type 2. Last evaluated: 2017-04-27. Review status: criteria provided, single submitter. Criteria: ICSL Variant Classification Criteria 13 December 2019. Collection method: clinical testing. Allele origin: germline.
Comment: This variant was observed as part of a predisposition screen in an ostensibly healthy population. A literature search was performed for the gene, cDNA change, and amino acid change (where applicable). Publications were found based on this search. The evidence from the literature, in combination with allele frequency data from public databases where available, was sufficient to determine this variant is unlikely to cause disease. Therefore, this variant is classified as likely benign.

Eurofins Ntd Llc (ga)
Classification: Uncertain significance. Last evaluated: 2016-04-27. Review status: criteria provided, single submitter. Criteria: EGL Classification Definitions 2015. Collection method: clinical testing. Allele origin: germline. Observed: 1 variant allele, 1 heterozygote.

PreventionGenetics, part of Exact Sciences
Classification: Uncertain significance for EXT2-related condition. Last evaluated: 2024-08-13. Review status: no assertion criteria provided. Collection method: clinical testing. Allele origin: germline. Not counted in ClinVar's aggregate classification.
Comment: The EXT2 c.1760C>T variant is predicted to result in the amino acid substitution p.Thr587Met. This variant has been reported in a patient with some clinical features of multiple exostoses (Stavropoulos et al. 2016. PubMed ID: 28567303). However, this variant was also reported in a healthy cohort (Bodian et al. 2014. PubMed ID: 24728327) and has been observed in a public database with allele frequency up to ~0.15% in South Asian populations including one homozygote, which is likely too common for a highly penetrant pathogenic variant. In ClinVar, this variant has conflicting interpretations of likely benign and uncertain significance. At this time, the clinical significance of this variant is uncertain due to the absence of conclusive functional and genetic evidence.

ITMI
No classification provided. Condition: AllHighlyPenetrant. Last evaluated: 2013-09-19. Review status: no classification provided. Collection method: reference population. Allele origin: germline. Not counted in ClinVar's aggregate classification.
Comment: Please see associated publication for description of ethnicities

Literature cited by the submitters: PubMed 28567303 (cited by Women's Health and Genetics/Laboratory Corporation of America, LabCorp and Mayo Clinic Laboratories, Mayo Clinic); PubMed 19810120 (cited by 4 submitters); PubMed 32191290 (cited by Mayo Clinic Laboratories, Mayo Clinic); PubMed 34070849 (cited by Mayo Clinic Laboratories, Mayo Clinic); PubMed 24728327 (cited by Illumina Laboratory Services, Illumina and ITMI).